The following is an entry in ClinVar:

NM_013266.4(CTNNA3):c.2493G>T (p.Lys831Asn)

Gene: CTNNA3 (catenin alpha 3; minus strand). Cytogenetic location: 10q21.3.
Variant type: single nucleotide variant.
Coding change: c.2493G>T on transcript NM_013266.4 (MANE Select); coding-DNA position 2493, G replaced by T.
Protein change: p.Lys831Asn; replaces lysine 831 with asparagine.
Molecular consequence: missense variant.
Genome position (GRCh38, 1-based): chr10:65,920,525, C>A on the plus strand (G>T on the coding strand, the complement: CTNNA3 is on the minus strand). VCF-style: chr10-65920525-C-A. GRCh37 (hg19) VCF-style: chr10-67680283-C-A.
Other names: c.2493G>T, p.Lys831Asn (NM_001127384.3); short protein forms K831N.
Identifiers: ClinVar variation 1792108 (VCV001792108.9), dbSNP rs542014877, ClinGen allele CA5519570.

ClinVar aggregate classification (germline): Conflicting classifications of pathogenicity. Review status: criteria provided, conflicting classifications (1 of 4 stars). 3 submissions from 3 submitters: Uncertain significance (2); Likely benign (1). Last evaluated 2024-10-26.

Conditions:
Arrhythmogenic right ventricular dysplasia 13. Also called: ARRHYTHMOGENIC RIGHT VENTRICULAR CARDIOMYOPATHY 13; Arrhythmogenic right ventricular dysplasia, familial, 13. Identifiers: MedGen C3810138, MONDO:0000908, OMIM 615616.

Allele frequency attached by ClinVar (database versions not stated): gnomAD 0.00003; TOPMed 0.00003; ExAC 0.00006; gnomAD exomes 0.00007; 1000 Genomes Project 0.00020; 1000 Genomes Project 30x 0.00031.
gnomAD v4.1: 100 of 1,614,100 alleles (0.0062%); highest among the groups gnomAD compares: Non-Finnish European, 0.0079%; no homozygotes.

Submissions (3):

Labcorp Genetics (formerly Invitae), Labcorp
Classification: Uncertain significance for Arrhythmogenic right ventricular dysplasia 13. Last evaluated: 2024-10-26. Review status: criteria provided, single submitter. Criteria: Invitae Variant Classification Sherloc (09022015). Collection method: clinical testing. Allele origin: germline.
Comment: This sequence change replaces lysine, which is basic and polar, with asparagine, which is neutral and polar, at codon 831 of the CTNNA3 protein (p.Lys831Asn). This variant is present in population databases (rs542014877, gnomAD 0.01%). This variant has not been reported in the literature in individuals affected with CTNNA3-related conditions. ClinVar contains an entry for this variant (Variation ID: 1792108). Invitae Evidence Modeling of protein sequence and biophysical properties (such as structural, functional, and spatial information, amino acid conservation, physicochemical variation, residue mobility, and thermodynamic stability) indicates that this missense variant is not expected to disrupt CTNNA3 protein function with a negative predictive value of 80%. In summary, the available evidence is currently insufficient to determine the role of this variant in disease. Therefore, it has been classified as a Variant of Uncertain Significance.

Blueprint Genetics
Classification: Likely benign. Last evaluated: 2024-09-24. Review status: criteria provided, single submitter. Criteria: ACMG Guidelines, 2015. Collection method: clinical testing. Allele origin: germline.

Ambry Genetics
Classification: Uncertain significance. Last evaluated: 2023-09-07. Review status: criteria provided, single submitter. Criteria: Ambry Variant Classification Scheme 2023. Collection method: clinical testing. Allele origin: germline.
Comment: The p.K831N variant (also known as c.2493G>T), located in coding exon 17 of the CTNNA3 gene, results from a G to T substitution at nucleotide position 2493. The lysine at codon 831 is replaced by asparagine, an amino acid with similar properties. This amino acid position is conserved. In addition, the in silico prediction for this alteration is inconclusive. Since supporting evidence is limited at this time, the clinical significance of this alteration remains unclear.